The following is an entry in ClinVar:

NM_001048174.2(MUTYH):c.190G>T (p.Glu64Ter)

Gene: MUTYH (mutY DNA glycosylase; minus strand). Cytogenetic location: 1p34.1.
Variant type: single nucleotide variant.
Coding change: c.190G>T on transcript NM_001048174.2 (MANE Select); coding-DNA position 190, G replaced by T.
Protein change: p.Glu64Ter; replaces glutamic acid 64 with a stop codon.
Molecular consequence: nonsense. On other transcripts: 5 prime UTR variant (4), non-coding transcript variant (2).
Genome position (GRCh38, 1-based): chr1:45,333,487, C>A on the plus strand (G>T on the coding strand, the complement: MUTYH is on the minus strand). VCF-style: chr1-45333487-C-A. GRCh37 (hg19) VCF-style: chr1-45799159-C-A.
Other names: c.190G>T, p.Glu64Ter (NM_001048171.2, NM_001048173.2, NM_001293195.2 and 6 more transcripts); c.193G>T, p.Glu65Ter (NM_001048172.2, NM_001407071.1, NM_001407078.1 and 2 more transcripts); c.274G>T, p.Glu92Ter (NM_001128425.2); c.235G>T, p.Glu79Ter (NM_001293190.2); c.223G>T, p.Glu75Ter (NM_001293191.2, NM_001407077.1); c.-87G>T (NM_001293192.2, NM_001293196.2, NM_001407091.1); c.-82G>T (NM_001350650.2, NM_001350651.2, NM_001407082.1); c.265G>T, p.Glu89Ter (NM_001407069.1, NM_012222.3); and 3 more; short protein forms E36*, E65*, E64*, E75*, E79*, E89*, E71*, E78*.
Identifiers: ClinVar variation 1795549 (VCV001795549.2), dbSNP rs1570443687, ClinGen allele CA340136475.
Genomic context (GRCh38, chr1:45,333,487, plus strand): 5'-GTAGGTCCCGTTTCTCTTGGTCGTACCAGCTTAGCAGGCTCCCTCGGAAGGCTGTGACTT[C>A]AGCTACGTCTCTGAATAGATGGTATGAGGAGACAGAGGCCTGCAATACCACCTCTTCCGG-3'

ClinVar aggregate classification (germline): Pathogenic (1 of 4 stars; one submission).

Conditions:
Hereditary cancer-predisposing syndrome. Also called: Tumor predisposition; Hereditary Cancer Syndrome; Neoplastic Syndromes, Hereditary; Hereditary neoplastic syndrome. Identifiers: Orphanet 140162, MedGen C0027672, MeSH D009386, MONDO:0015356.

Submission:

Ambry Genetics
Classification: Pathogenic for Hereditary cancer-predisposing syndrome. Last evaluated: 2022-07-25. Review status: criteria provided, single submitter. Criteria: Ambry Variant Classification Scheme 2023. Collection method: clinical testing. Allele origin: germline.
Comment: The p.E92* pathogenic mutation (also known as c.274G>T), located in coding exon 3 of the MUTYH gene, results from a G to T substitution at nucleotide position 274. This changes the amino acid from a glutamic acid to a stop codon within coding exon 3. This variant is considered to be rare based on population cohorts in the Genome Aggregation Database (gnomAD). This alteration is expected to result in loss of function by premature protein truncation or nonsense-mediated mRNA decay. As such, this alteration is interpreted as a disease-causing mutation.